The following is an entry in ClinVar:

ClinVar aggregate classification (germline): Uncertain significance (1 of 4 stars; one submission).

Allele frequency attached by ClinVar (database versions not stated): gnomAD 0.00001; TOPMed 0.00001; gnomAD exomes 0.00004.
gnomAD v4.1: 52 of 1,550,492 alleles (0.0034%); highest among the groups gnomAD compares: Non-Finnish European, 0.0042%; 1 homozygote.

Submission:

GeneDx
Classification: Uncertain significance. Last evaluated: 2022-10-07. Review status: criteria provided, single submitter. Criteria: GeneDx Variant Classification Process June 2021. Collection method: clinical testing. Allele origin: germline. Affected: yes.
Comment: Not observed at significant frequency in large population cohorts (gnomAD); In silico analysis supports that this missense variant does not alter protein structure/function; Has not been previously published as pathogenic or benign to our knowledge

NM_001292063.2(OTOG):c.3763G>C (p.Val1255Leu)

Gene: OTOG (otogelin; plus strand). Cytogenetic location: 11p15.1.
Variant type: single nucleotide variant.
Coding change: c.3763G>C on transcript NM_001292063.2 (MANE Select); coding-DNA position 3763, G replaced by C.
Protein change: p.Val1255Leu; replaces valine 1255 with leucine.
Molecular consequence: missense variant.
Genome position (GRCh38, 1-based): chr11:17,602,263, G>C. VCF-style: chr11-17602263-G-C. GRCh37 (hg19) VCF-style: chr11-17623810-G-C.
Other names: c.3799G>C, p.Val1267Leu (NM_001277269.2); short protein forms V1255L, V1267L.
Identifiers: ClinVar variation 2497975 (VCV002497975.1), dbSNP rs1268007188, ClinGen allele CA379789646.